The following is an entry in ClinVar:

ClinVar aggregate classification (germline): Uncertain significance (1 of 4 stars; one submission).

Submission:

Labcorp Genetics (formerly Invitae), Labcorp
Classification: Uncertain significance. Last evaluated: 2023-07-07. Review status: criteria provided, single submitter. Criteria: Invitae Variant Classification Sherloc (09022015). Collection method: clinical testing. Allele origin: germline.
Comment: This sequence change replaces serine, which is neutral and polar, with tyrosine, which is neutral and polar, at codon 218 of the RAB28 protein (p.Ser218Tyr). Information on the frequency of this variant in the gnomAD database is not available, as this variant may be reported differently in the database. This variant has not been reported in the literature in individuals affected with RAB28-related conditions. ClinVar contains an entry for this variant (Variation ID: 2047389). An algorithm developed to predict the effect of missense changes on protein structure and function (PolyPhen-2) suggests that this variant is likely to be disruptive. In summary, the available evidence is currently insufficient to determine the role of this variant in disease. Therefore, it has been classified as a Variant of Uncertain Significance.

NM_004249.4(RAB28):c.653_654delinsAT (p.Ser218Tyr)

Gene: RAB28 (RAB28, member RAS oncogene family; minus strand). Cytogenetic location: 4p15.33.
Variant type: Indel.
Coding change: c.653_654delinsAT on transcript NM_004249.4 (MANE Plus Clinical); coding-DNA positions 653 to 654, CA replaced by AT.
Protein change: p.Ser218Tyr; replaces serine 218 with tyrosine.
Molecular consequence: missense variant. On other transcripts: intron variant (2).
Genome position (GRCh38, 1-based): chr4:13,369,885-13,369,886, TG replaced by AT on the plus strand (CA replaced by AT on the coding strand, the reverse complement: RAB28 is on the minus strand). VCF-style: chr4-13369885-TG-AT. GRCh37 (hg19) VCF-style: chr4-13371509-TG-AT.
Other names: c.574-1236_574-1235delinsAT (NM_001017979.3); c.*32-1236_*32-1235delinsAT (NM_001159601.2); short protein forms S218Y.
Identifiers: ClinVar variation 2047389 (VCV002047389.4), dbSNP rs2474572508, ClinGen allele CA2580070841.
Genomic context (GRCh38, chr4:13,369,885, plus strand): 5'-TCTCCCTTCCCACCTCCCCAAACTGTAATAATTTATCACTTAATACCTGCACTACTGTAC[TG>AT]AACAGATTCTACTCTGAGTAGAGGTGGTATGTTGATTTTCTTCTTCCGGGTACTTCACTA-3'
Protein context (NP_004240.2, residues 208-220): HTTSTQSRIC[Ser218Tyr]VQ